The following is an entry in ClinVar:

NM_016122.3(CEP83):c.1036A>G (p.Ser346Gly)

Gene: CEP83 (centrosomal protein 83; minus strand). Cytogenetic location: 12q22.
Variant type: single nucleotide variant.
Coding change: c.1036A>G on transcript NM_016122.3 (MANE Select); coding-DNA position 1036, A replaced by G.
Protein change: p.Ser346Gly; replaces serine 346 with glycine.
Molecular consequence: missense variant. On other transcripts: non-coding transcript variant (2).
Genome position (GRCh38, 1-based): chr12:94,369,934, T>C on the plus strand (A>G on the coding strand, the complement: CEP83 is on the minus strand). VCF-style: chr12-94369934-T-C. GRCh37 (hg19) VCF-style: chr12-94763710-T-C.
Other names: c.1036A>G, p.Ser346Gly (NM_001346461.2, NM_001368037.1, NM_001368038.1 and 3 more transcripts); c.724A>G, p.Ser242Gly (NM_001346462.2, NM_001368039.1, NM_001368040.1 and 2 more transcripts); c.811A>G, p.Ser271Gly (NM_001368041.1); c.499A>G, p.Ser167Gly (NM_001368042.1); short protein forms S271G, S167G, S242G, S346G.
Identifiers: ClinVar variation 2003148 (VCV002003148.4), dbSNP rs1566006899, ClinGen allele CA386146032.

ClinVar aggregate classification (germline): Uncertain significance (1 of 4 stars; one submission).

Conditions:
Nephronophthisis 18 (NPHP18). Identifiers: Orphanet 655, MedGen C3890591, MONDO:0014374, OMIM 615862.

Allele frequency attached by ClinVar (database versions not stated): gnomAD exomes below 0.00001.
gnomAD v4.1: 1 of 1,574,696 alleles (0.000064%); highest among the groups gnomAD compares: Admixed American, 0.0017%; no homozygotes.

Submission:

Labcorp Genetics (formerly Invitae), Labcorp
Classification: Uncertain significance for Nephronophthisis 18. Last evaluated: 2022-06-20. Review status: criteria provided, single submitter. Criteria: Invitae Variant Classification Sherloc (09022015). Collection method: clinical testing. Allele origin: germline.
Comment: This sequence change replaces serine, which is neutral and polar, with glycine, which is neutral and non-polar, at codon 346 of the CEP83 protein (p.Ser346Gly). This variant is not present in population databases (gnomAD no frequency). This variant has not been reported in the literature in individuals affected with CEP83-related conditions. Algorithms developed to predict the effect of missense changes on protein structure and function are either unavailable or do not agree on the potential impact of this missense change (SIFT: "Not Available"; PolyPhen-2: "Benign"; Align-GVGD: "Not Available"). Algorithms developed to predict the effect of sequence changes on RNA splicing suggest that this variant may create or strengthen a splice site. In summary, the available evidence is currently insufficient to determine the role of this variant in disease. Therefore, it has been classified as a Variant of Uncertain Significance.